The following is an entry in ClinVar:

ClinVar aggregate classification (germline): Benign. Review status: criteria provided, single submitter (1 of 4 stars). 2 submissions from 2 submitters: Benign (1). 1 of the submissions does not count toward it. Last evaluated 2026-02-04.

Conditions:
KRT74-related disorder. Also called: KRT74-related condition.

Allele frequency attached by ClinVar (database versions not stated): TOPMed 0.00003; gnomAD 0.00019; gnomAD exomes 0.00029; ExAC 0.00070; 1000 Genomes Project 0.00140; 1000 Genomes Project 30x 0.00141.
gnomAD v4.1: 450 of 1,613,838 alleles (0.028%); highest among the groups gnomAD compares: South Asian, 0.47%; 3 homozygotes.

Submissions (2):

Labcorp Genetics (formerly Invitae), Labcorp
Classification: Benign. Last evaluated: 2026-02-04. Review status: criteria provided, single submitter. Criteria: Invitae Variant Classification Sherloc (09022015). Collection method: clinical testing. Allele origin: germline.

PreventionGenetics, part of Exact Sciences
Classification: Likely benign for KRT74-related condition. Last evaluated: 2019-05-10. Review status: no assertion criteria provided. Collection method: clinical testing. Allele origin: germline. Not counted in ClinVar's aggregate classification.
Comment: This variant is classified as likely benign based on ACMG/AMP sequence variant interpretation guidelines (Richards et al. 2015 PMID: 25741868, with internal and published modifications).

NM_175053.4(KRT74):c.770T>A (p.Val257Asp)

Gene: KRT74 (keratin 74; minus strand). Cytogenetic location: 12q13.13.
Variant type: single nucleotide variant.
Coding change: c.770T>A on transcript NM_175053.4 (MANE Select); coding-DNA position 770, T replaced by A.
Protein change: p.Val257Asp; replaces valine 257 with aspartic acid.
Molecular consequence: missense variant.
Genome position (GRCh38, 1-based): chr12:52,571,432, A>T on the plus strand (T>A on the coding strand, the complement: KRT74 is on the minus strand). VCF-style: chr12-52571432-A-T. GRCh37 (hg19) VCF-style: chr12-52965216-A-T.
Other names: short protein forms V257D.
Identifiers: ClinVar variation 3041164 (VCV003041164.3), dbSNP rs571223121, ClinGen allele CA6583941.